The following is an entry in ClinVar:

NM_001322934.2(NFKB2):c.2674C>T (p.His892Tyr)

Gene: NFKB2 (nuclear factor kappa B subunit 2; plus strand). Cytogenetic location: 10q24.32.
Variant type: single nucleotide variant.
Coding change: c.2674C>T on transcript NM_001322934.2 (MANE Select); coding-DNA position 2674, C replaced by T.
Protein change: p.His892Tyr; replaces histidine 892 with tyrosine.
Molecular consequence: missense variant.
Genome position (GRCh38, 1-based): chr10:102,402,347, C>T. VCF-style: chr10-102402347-C-T. GRCh37 (hg19) VCF-style: chr10-104162104-C-T.
Other names: c.2674C>T, p.His892Tyr (NM_001077494.3); c.2671C>T, p.His891Tyr (NM_001261403.3, NM_001288724.1, NM_002502.6); c.2548C>T, p.His850Tyr (NM_001322935.1); short protein forms H850Y, H891Y, H892Y.
Identifiers: ClinVar variation 1484073 (VCV001484073.8), dbSNP rs2135443894, ClinGen allele CA377906495.

ClinVar aggregate classification (germline): Uncertain significance (1 of 4 stars; one submission).

Conditions:
Immunodeficiency, common variable, 10. Also called: IMMUNODEFICIENCY, COMMON VARIABLE, WITH CENTRAL ADRENAL INSUFFICIENCY; DEFICIT IN ANTERIOR PITUITARY FUNCTION AND VARIABLE IMMUNODEFICIENCY. Identifiers: MedGen C3809991, MONDO:0014260, OMIM 615577.

Submission:

Labcorp Genetics (formerly Invitae), Labcorp
Classification: Uncertain significance for Immunodeficiency, common variable, 10. Last evaluated: 2022-08-19. Review status: criteria provided, single submitter. Criteria: Invitae Variant Classification Sherloc (09022015). Collection method: clinical testing. Allele origin: germline.
Comment: In summary, the available evidence is currently insufficient to determine the role of this variant in disease. Therefore, it has been classified as a Variant of Uncertain Significance. Algorithms developed to predict the effect of missense changes on protein structure and function are either unavailable or do not agree on the potential impact of this missense change (SIFT: "Tolerated"; PolyPhen-2: "Probably Damaging"; Align-GVGD: "Class C0"). ClinVar contains an entry for this variant (Variation ID: 1484073). This variant has not been reported in the literature in individuals affected with NFKB2-related conditions. This variant is not present in population databases (gnomAD no frequency). This sequence change replaces histidine, which is basic and polar, with tyrosine, which is neutral and polar, at codon 892 of the NFKB2 protein (p.His892Tyr).